The following is an entry in ClinVar:

ClinVar aggregate classification (germline): Benign/Likely benign. Review status: criteria provided, multiple submitters, no conflicts (2 of 4 stars). 7 submissions from 6 submitters: Benign (5); Likely benign (2). Last evaluated 2026-06-12.

Conditions:
VCAN-related disorder. Also called: VCAN-related condition.
Wagner disease. Also called: Wagner Vitreoretinal Degeneration (Wagner Synrdome); WAGNER SYNDROME 1; Wagner syndrome; HYALOIDEORETINAL DEGENERATION OF WAGNER; WAGNER VITREORETINOPATHY; WAGNER VITREORETINAL DEGENERATION. Identifiers: Orphanet 898, MedGen C1840452, MONDO:0007740, OMIM 143200.
Vitreoretinopathy. Also called: Vitreoretinal degeneration. Identifiers: MedGen C0344290, MONDO:0020248, HP:0007773.

Allele frequency attached by ClinVar (database versions not stated): gnomAD 0.00007 and 0.00011; TOPMed 0.00015; 1000 Genomes Project 30x 0.00047; 1000 Genomes Project 0.00060.
gnomAD v4.1: 125 of 1,614,048 alleles (0.0077%); highest among the groups gnomAD compares: East Asian, 0.27%; 2 homozygotes.

Submissions (7):

PreventionGenetics, part of Exact Sciences
Classification: Benign for VCAN-related condition. Last evaluated: 2026-06-12. Review status: criteria provided, single submitter. Criteria: ACMG Guidelines, 2015. Collection method: clinical testing. Allele origin: germline.
Comment: This variant is classified as benign based on ACMG/AMP sequence variant interpretation guidelines (Richards et al. 2015 PMID: 25741868, with internal and published modifications).

Labcorp Genetics (formerly Invitae), Labcorp
Classification: Benign. Last evaluated: 2026-01-13. Review status: criteria provided, single submitter. Criteria: Invitae Variant Classification Sherloc (09022015). Collection method: clinical testing. Allele origin: germline.

Blueprint Genetics
Classification: Likely benign. Last evaluated: 2024-08-30. Review status: criteria provided, single submitter. Criteria: ACMG Guidelines, 2015. Collection method: clinical testing. Allele origin: germline.

CeGaT Center for Human Genetics Tuebingen
Classification: Benign. Last evaluated: 2022-08-01. Review status: criteria provided, single submitter. Criteria: CeGaT Center For Human Genetics Tuebingen Variant Classification Criteria Version 2. Collection method: clinical testing. Allele origin: germline. Affected: yes. Observed: 1 variant allele.
Comment: VCAN: BS1, BS2

Illumina Laboratory Services, Illumina
Classification: Benign for Wagner disease. Last evaluated: 2018-01-13. Review status: criteria provided, single submitter. Criteria: ICSL Variant Classification Criteria 13 December 2019. Collection method: clinical testing. Allele origin: germline.
Comment: This variant was observed in the ICSL laboratory as part of a predisposition screen in an ostensibly healthy population. It had not been previously curated by ICSL or reported in the Human Gene Mutation Database (HGMD: prior to June 1st, 2018), and was therefore a candidate for classification through an automated scoring system. Utilizing variant allele frequency, disease prevalence and penetrance estimates, and inheritance mode, an automated score was calculated to assess if this variant is too frequent to cause the disease. Based on the score and internal cut-off values, a variant classified as benign is not then subjected to further curation. The score for this variant resulted in a classification of benign for this disease.

Illumina Laboratory Services, Illumina
Classification: Benign for Vitreoretinopathy. Last evaluated: 2018-01-13. Review status: criteria provided, single submitter. Criteria: ICSL Variant Classification Criteria 13 December 2019. Collection method: clinical testing. Allele origin: germline.
Comment: the same text as in the submission from Illumina Laboratory Services, Illumina above.

Eurofins Ntd Llc (ga)
Classification: Likely benign. Last evaluated: 2016-12-19. Review status: criteria provided, single submitter. Criteria: EGL Classification Definitions 2015. Collection method: clinical testing. Allele origin: germline. Observed: 1 variant allele, 1 heterozygote.

NM_004385.5(VCAN):c.9454C>G (p.Leu3152Val)

Genes: VCAN (versican; plus strand), VCAN-AS1 (VCAN antisense RNA 1; minus strand). Cytogenetic location: 5q14.3.
Variant type: single nucleotide variant.
Coding change: c.9454C>G on transcript NM_004385.5 (MANE Select); coding-DNA position 9454, C replaced by G.
Protein change: p.Leu3152Val; replaces leucine 3152 with valine.
Molecular consequence: missense variant.
Genome position (GRCh38, 1-based): chr5:83,548,045, C>G. VCF-style: chr5-83548045-C-G. GRCh37 (hg19) VCF-style: chr5-82843864-C-G.
Other names: c.1231C>G, p.Leu411Val (NM_001126336.3); c.6493C>G, p.Leu2165Val (NM_001164097.2); c.4192C>G, p.Leu1398Val (NM_001164098.2); short protein forms L3152V, L2165V, L1398V, L411V.
Identifiers: ClinVar variation 498450 (VCV000498450.42), dbSNP rs183984308, ClinGen allele CA3334007.
Genomic context (GRCh38, chr5:83,548,045, plus strand): 5'-CACTCTAATCCCTGTCGTAATGGAGCCACTTGTGTTGATGGTTTTAACACATTCAGGTGC[C>G]TCTGCCTTCCAAGTTATGTTGGTGCACTTTGTGAGCAAGGTAAGAGCTATTGCAACATTT-3'
Protein context (NP_004376.2, residues 3142-3162): CVDGFNTFRC[Leu3152Val]CLPSYVGALC